The following is an entry in ClinVar:

NM_000368.5(TSC1):c.2451CAA[2] (p.Asn819del)

Gene: TSC1 (TSC complex subunit 1; minus strand). Cytogenetic location: 9q34.13.
Variant type: Microsatellite.
Coding change: c.2451CAA[2] on transcript NM_000368.5 (MANE Select); two copies in a row of the 3-base unit CAA starting at c.2451; the reference has three copies in a row; one copy, 3 bases deleted; also written c.2457_2459del.
Protein change: p.Asn819del; deletes asparagine 819.
Molecular consequence: inframe deletion.
Genome position (GRCh38, 1-based): chr9:132,901,632-132,901,634, TTG deleted on the plus strand (CAA on the coding strand, the reverse complement: TSC1 is on the minus strand); deleting any 3 consecutive bases within chr9:132,901,632-132,901,640 gives the same sequence; the position shown is the placement nearest the transcript's 3' end. VCF-style (leftmost placement, unchanged base first): chr9-132901631-CTTG-C. GRCh37 (hg19) VCF-style: chr9-135777018-CTTG-C.
Other names: c.2448CAA[2], p.Asn818del (NM_001162426.2); c.2298CAA[2], p.Asn768del (NM_001162427.2); c.2088CAA[2], p.Asn698del (NM_001362177.2); c.2457_2459del (NM_000368.5); c.2457_2459delCAA (NM_000368.4); short protein forms N698del, N818del, N819del, N768del.
Identifiers: ClinVar variation 645992 (VCV000645992.13), dbSNP rs1588299112, ClinGen allele CA915947232.

ClinVar aggregate classification (germline): Uncertain significance. Review status: criteria provided, multiple submitters, no conflicts (2 of 4 stars). 3 submissions from 3 submitters: Uncertain significance (3). Last evaluated 2025-12-15.

Conditions:
Tuberous sclerosis 1 (TSC1). Identifiers: Orphanet 805, MedGen C1854465, MONDO:0008612, OMIM 191100.
Hereditary cancer-predisposing syndrome. Also called: Neoplastic Syndromes, Hereditary; Hereditary neoplastic syndrome; Tumor predisposition; Hereditary Cancer Syndrome. Identifiers: Orphanet 140162, MedGen C0027672, MeSH D009386, MONDO:0015356.
Isolated focal cortical dysplasia type II (FCORD2). Also called: Focal cortical dysplasia type II; CORTICAL DYSPLASIA OF TAYLOR. Identifiers: Orphanet 268994, MedGen C1846385, MONDO:0011818, OMIM 607341, HP:0032051.
Lymphangiomyomatosis (LAM). Also called: Lymphangioleiomyomatosis, somatic; Lymphangioleiomyomatosis. Identifiers: Orphanet 538, MedGen C0751674, MONDO:0011705, OMIM 606690.

Submissions (3):

Ambry Genetics
Classification: Uncertain significance for Hereditary cancer-predisposing syndrome. Last evaluated: 2025-12-15. Review status: criteria provided, single submitter. Criteria: Ambry Variant Classification Scheme 2023. Collection method: clinical testing. Allele origin: germline.
Comment: The c.2457_2459delCAA variant (also known as p.N819del) is located in coding exon 17 of the TSC1 gene. This variant results from an in-frame CAA deletion at nucleotide positions 2457 to 2459. This results in the in-frame deletion of an asparagine at codon 819. This amino acid position is not well conserved in available vertebrate species. In addition, this alteration is predicted to be deleterious by in silico analysis (Choi Y et al. PLoS ONE. 2012; 7(10):e46688). Based on the available evidence, the clinical significance of this variant remains unclear.

Labcorp Genetics (formerly Invitae), Labcorp
Classification: Uncertain significance for Tuberous sclerosis 1. Last evaluated: 2025-11-13. Review status: criteria provided, single submitter. Criteria: Invitae Variant Classification Sherloc (09022015). Collection method: clinical testing. Allele origin: germline.
Comment: This variant, c.2457_2459del, results in the deletion of 1 amino acid(s) of the TSC1 protein (p.Asn819del), but otherwise preserves the integrity of the reading frame. This variant is not present in population databases (gnomAD no frequency). This variant has not been reported in the literature in individuals affected with TSC1-related conditions. Experimental studies and prediction algorithms are not available or were not evaluated, and the functional significance of this variant is currently unknown. In summary, the available evidence is currently insufficient to determine the role of this variant in disease. Therefore, it has been classified as a Variant of Uncertain Significance.

Fulgent Genetics
Classification: Uncertain significance for Tuberous sclerosis 1; Lymphangiomyomatosis; Isolated focal cortical dysplasia type II. Last evaluated: 2024-02-15. Review status: criteria provided, single submitter. Criteria: ACMG Guidelines, 2015. Collection method: clinical testing. Allele origin: germline.